The following is an entry in ClinVar:

GRCh38/hg38 Xq26.3-27.1(chrX:138256775-139274578)x2

Genes: FGF13 (fibroblast growth factor 13; minus strand), FGF13-AS1 (FGF13 antisense RNA 1; plus strand), MIR504 (microRNA 504; minus strand), LOC111429618 (NFE2L2 motif-containing MPRA enhancer 215; plus strand), LOC126863331 (MED14-independent group 3 enhancer GRCh37_chrX:137859976-137861175; plus strand). Cytogenetic location: Xq26.3-27.1.
Variant type: copy number gain.
Change: copy number 2 of chrX:138,256,775-139,274,578 (1.02 Mb, GRCh38 coordinates, 1-based), cytogenetic band Xq26.3-27.1.
Identifiers: ClinVar variation 57487 (VCV000057487.1).

ClinVar aggregate classification (germline): Uncertain significance (1 of 4 stars; one submission).

Submission:

ISCA site 4
Classification: Uncertain significance. Last evaluated: 2011-08-12. Review status: criteria provided, single submitter. Criteria: Kaminsky et al. (Genet Med. 2011). Collection method: clinical testing. Allele origin: unknown. Affected: yes. Observed: 1 variant allele.
Comment: Copy number variation identified through the course of routine clinical cytogenomic testing in postnatal populations. Clinical assertions have been curated as described in Kaminsky et al. 2011.